The following is an entry in ClinVar:

NM_001985.3(ETFB):c.177G>A (p.Lys59=)

Gene: ETFB (electron transfer flavoprotein subunit beta; minus strand). Cytogenetic location: 19q13.41.
Variant type: single nucleotide variant.
Coding change: c.177G>A on transcript NM_001985.3 (MANE Select); coding-DNA position 177, G replaced by A.
Protein change: p.Lys59=; no amino-acid change (lysine 59 retained).
Molecular consequence: synonymous variant.
Genome position (GRCh38, 1-based): chr19:51,354,189, C>T on the plus strand (G>A on the coding strand, the complement: ETFB is on the minus strand). VCF-style: chr19-51354189-C-T. GRCh37 (hg19) VCF-style: chr19-51857443-C-T.
Other names: c.450G>A, p.Lys150= (NM_001014763.1).
Identifiers: ClinVar variation 3050765 (VCV003050765.2), dbSNP rs2514155507, ClinGen allele CA508806289.

ClinVar aggregate classification (germline): Likely benign (0 of 4 stars; one submission).

Conditions:
ETFB-related disorder. Also called: ETFB-related condition.

Submission:

PreventionGenetics, part of Exact Sciences
Classification: Likely benign for ETFB-related condition. Last evaluated: 2023-09-13. Review status: no assertion criteria provided. Collection method: clinical testing. Allele origin: germline.
Comment: This variant is classified as likely benign based on ACMG/AMP sequence variant interpretation guidelines (Richards et al. 2015 PMID: 25741868, with internal and published modifications).